The following is an entry in ClinVar:

ClinVar aggregate classification (germline): Uncertain significance (1 of 4 stars; one submission).

Allele frequency attached by ClinVar (database versions not stated): gnomAD exomes below 0.00001.
gnomAD v4.1: 1 of 1,611,984 alleles (0.000062%); highest among the groups gnomAD compares: Non-Finnish European, 0.000085%; no homozygotes.

Submission:

CeGaT Center for Human Genetics Tuebingen
Classification: Uncertain significance. Last evaluated: 2024-06-01. Review status: criteria provided, single submitter. Criteria: CeGaT Center For Human Genetics Tuebingen Variant Classification Criteria Version 2. Collection method: clinical testing. Allele origin: germline. Affected: yes. Observed: 1 variant allele.
Comment: KMT2B: PM2, PP3

NM_014727.3(KMT2B):c.3235T>C (p.Cys1079Arg)

Gene: KMT2B (lysine methyltransferase 2B; plus strand). Cytogenetic location: 19q13.12.
Variant type: single nucleotide variant.
Coding change: c.3235T>C on transcript NM_014727.3 (MANE Select); coding-DNA position 3235, T replaced by C.
Protein change: p.Cys1079Arg; replaces cysteine 1079 with arginine.
Molecular consequence: missense variant.
Genome position (GRCh38, 1-based): chr19:35,723,908, T>C. VCF-style: chr19-35723908-T-C. GRCh37 (hg19) VCF-style: chr19-36214809-T-C.
Other names: short protein forms C1079R.
Identifiers: ClinVar variation 3239552 (VCV003239552.19), dbSNP rs2513325880.
Genomic context (GRCh38, chr19:35,723,908, plus strand): 5'-GTGGCCCACCCAGGGCCCGAGGAGCAGGACTCCCTCCTGCAGCGCAAGTCAGCTCGGCGC[T>C]GCGTCAAACAGCGACCCTCCTATGATATCTTCGAGGATTCGGATGACTCGGAGCCCGGGG-3'
Protein context (NP_055542.1, residues 1069-1089): SLLQRKSARR[Cys1079Arg]VKQRPSYDIF